The following is an entry in ClinVar:

NM_015214.3(DDHD2):c.400C>T (p.Gln134Ter)

Gene: DDHD2 (DDHD domain containing 2; plus strand). Cytogenetic location: 8p11.23.
Variant type: single nucleotide variant.
Coding change: c.400C>T on transcript NM_015214.3 (MANE Select); coding-DNA position 400, C replaced by T.
Protein change: p.Gln134Ter; replaces glutamine 134 with a stop codon.
Molecular consequence: nonsense. On other transcripts: non-coding transcript variant (2).
Genome position (GRCh38, 1-based): chr8:38,234,573, C>T. VCF-style: chr8-38234573-C-T. GRCh37 (hg19) VCF-style: chr8-38092091-C-T.
Other names: p.Gln134*; c.400C>T, p.Gln134Ter (NM_001164232.2, NM_001164234.2, NM_001362911.2 and 3 more transcripts); short protein forms Q134*.
Identifiers: ClinVar variation 1686646 (VCV001686646.4), dbSNP rs772199158, ClinGen allele CA4715957.

ClinVar aggregate classification (germline): Likely pathogenic (1 of 4 stars; one submission).

Allele frequency attached by ClinVar (database versions not stated): ExAC 0.00001; gnomAD exomes 0.00001; TOPMed 0.00001.

Submission:

Mayo Clinic Laboratories, Mayo Clinic
Classification: Likely pathogenic. Last evaluated: 2021-10-26. Review status: criteria provided, single submitter. Criteria: ACMG Guidelines, 2015. Collection method: clinical testing. Allele origin: germline.
Comment: PM2, PVS1

Literature cited by the submitters: PubMed 29691679.